The following is an entry in ClinVar:

NM_002936.6(RNASEH1):c.425_427dup (p.Val142_Tyr143insPhe)

Gene: RNASEH1 (ribonuclease H1; minus strand). Cytogenetic location: 2p25.3.
Variant type: Duplication.
Coding change: c.425_427dup on transcript NM_002936.6 (MANE Select); coding-DNA positions 425 to 427, 3 bases duplicated (TCT; older notation c.425_427dupTCT).
Protein change: p.Val142_Tyr143insPhe.
Molecular consequence: non-coding transcript variant (on NR_148532.2).
Genome position (GRCh38, 1-based): chr2:3,550,455-3,550,457, AGA duplicated on the plus strand (TCT on the coding strand, the reverse complement: RNASEH1 is on the minus strand). VCF-style (leftmost placement, unchanged base first): chr2-3550454-T-TAGA. GRCh37 (hg19) VCF-style: chr2-3598044-T-TAGA.
Other names: p.Val142_Tyr143insPhe; c.347_349dup, p.Val116_Tyr117insPhe (NM_001286834.3); c.74_76dup, p.Val25_Tyr26insPhe (NM_001286837.3); c.425_427dup, p.Val142_Tyr143insPhe (NM_001378271.1, NM_001378273.1); c.422_424dup, p.Val141_Tyr142insPhe (NM_001378272.1).
Identifiers: ClinVar variation 3380789 (VCV003380789.1).

ClinVar aggregate classification (germline): Uncertain significance (1 of 4 stars; one submission).

Submission:

Mayo Clinic Laboratories, Mayo Clinic
Classification: Uncertain significance. Last evaluated: 2024-05-08. Review status: criteria provided, single submitter. Criteria: ACMG Guidelines, 2015. Collection method: clinical testing. Allele origin: germline. Observed: 1 variant allele.
Comment: PM2, PM4